The following is an entry in ClinVar:

NM_004408.4(DNM1):c.371T>A (p.Val124Asp)

Genes: DNM1 (dynamin 1; plus strand), LOC113839516 (Sharpr-MPRA regulatory region 8497; plus strand). Cytogenetic location: 9q34.11.
Variant type: single nucleotide variant.
Coding change: c.371T>A on transcript NM_004408.4 (MANE Select); coding-DNA position 371, T replaced by A.
Protein change: p.Val124Asp; replaces valine 124 with aspartic acid.
Molecular consequence: missense variant.
Genome position (GRCh38, 1-based): chr9:128,218,717, T>A. VCF-style: chr9-128218717-T-A. GRCh37 (hg19) VCF-style: chr9-130980996-T-A.
Other names: c.371T>A, p.Val124Asp (NM_001005336.3, NM_001288737.2, NM_001288738.2 and 2 more transcripts); short protein forms V124D.
Identifiers: ClinVar variation 4083050 (VCV004083050.2).

ClinVar aggregate classification (germline): Uncertain significance (1 of 4 stars; one submission).

Submission:

GeneDx
Classification: Uncertain significance. Last evaluated: 2026-02-23. Review status: criteria provided, single submitter. Criteria: GeneDx Variant Classification Process June 2021. Collection method: clinical testing. Allele origin: germline.
Comment: Not observed at significant frequency in large population cohorts (gnomAD); In silico analysis supports that this missense variant has a deleterious effect on protein structure/function; Has not been previously published as pathogenic or benign to our knowledge